The following is an entry in ClinVar:

NM_000540.3(RYR1):c.12481A>T (p.Asn4161Tyr)

Gene: RYR1 (ryanodine receptor 1; plus strand). Cytogenetic location: 19q13.2.
Variant type: single nucleotide variant.
Coding change: c.12481A>T on transcript NM_000540.3 (MANE Select); coding-DNA position 12481, A replaced by T.
Protein change: p.Asn4161Tyr; replaces asparagine 4161 with tyrosine.
Molecular consequence: missense variant.
Genome position (GRCh38, 1-based): chr19:38,561,311, A>T. VCF-style: chr19-38561311-A-T. GRCh37 (hg19) VCF-style: chr19-39051951-A-T.
Other names: c.12466A>T, p.Asn4156Tyr (NM_001042723.2); short protein forms N4156Y, N4161Y.
Identifiers: ClinVar variation 4530717 (VCV004530717.1).

ClinVar aggregate classification (germline): Uncertain significance (1 of 4 stars; one submission).

gnomAD v4.1: 1 of 1,613,982 alleles (0.000062%); highest among the groups gnomAD compares: Non-Finnish European, 0.000085%; no homozygotes.

Submission:

GeneDx
Classification: Uncertain significance. Last evaluated: 2025-05-21. Review status: criteria provided, single submitter. Criteria: GeneDx Variant Classification Process June 2021. Collection method: clinical testing. Allele origin: germline. Affected: yes.
Comment: Not observed at significant frequency in large population cohorts (gnomAD); In silico analysis supports that this missense variant has a deleterious effect on protein structure/function; Has not been previously published as pathogenic or benign to our knowledge